The following is an entry in ClinVar:

ClinVar aggregate classification (germline): Uncertain significance. Review status: criteria provided, multiple submitters, no conflicts (2 of 4 stars). 2 submissions from 2 submitters: Uncertain significance (2). Last evaluated 2021-09-01.

Conditions:
Pseudo-Hurler polydystrophy. Also called: ML III; ML III ALPHA/BETA; MUCOLIPIDOSIS IIIA; Type III Mucolipidosis; ML IIIA; Mucolipidosis III Alpha/Beta. Identifiers: Orphanet 423461, Orphanet 577, MedGen C0033788, MONDO:0018931, OMIM 252600.
Mucolipidosis type II. Also called: ML II ALPHA/BETA; Mucolipidosis 2; ML 2; Inclusion cell disease; Leroy Disease; N-acetylglucosamine 1phosphotransferase deficiency. Identifiers: Orphanet 576, MedGen C2673377, MONDO:0009650, OMIM 252500.

Allele frequency attached by ClinVar (database versions not stated): gnomAD exomes 0.00002 and below 0.00001; gnomAD 0.00001; TOPMed 0.00001; ExAC 0.00002.
gnomAD v4.1: 27 of 1,614,060 alleles (0.0017%); highest among the groups gnomAD compares: South Asian, 0.0088%; no homozygotes.

Submissions (2):

Labcorp Genetics (formerly Invitae), Labcorp
Classification: Uncertain significance for Pseudo-Hurler polydystrophy; Mucolipidosis type II. Last evaluated: 2021-09-01. Review status: criteria provided, single submitter. Criteria: Invitae Variant Classification Sherloc (09022015). Collection method: clinical testing. Allele origin: germline.
Comment: This sequence change replaces aspartic acid with alanine at codon 86 of the GNPTAB protein (p.Asp86Ala). The aspartic acid residue is highly conserved and there is a moderate physicochemical difference between aspartic acid and alanine. This variant is present in population databases (rs763827719, ExAC 0.01%). This variant has not been reported in the literature in individuals affected with GNPTAB-related conditions. Advanced modeling of protein sequence and biophysical properties (such as structural, functional, and spatial information, amino acid conservation, physicochemical variation, residue mobility, and thermodynamic stability) performed at Invitae indicates that this missense variant is expected to disrupt GNPTAB protein function. In summary, the available evidence is currently insufficient to determine the role of this variant in disease. Therefore, it has been classified as a Variant of Uncertain Significance.

Mayo Clinic Laboratories, Mayo Clinic
Classification: Uncertain significance. Last evaluated: 2021-05-28. Review status: criteria provided, single submitter. Criteria: ACMG Guidelines, 2015. Collection method: clinical testing. Allele origin: germline.

NM_024312.5(GNPTAB):c.257A>C (p.Asp86Ala)

Gene: GNPTAB (N-acetylglucosamine-1-phosphate transferase subunits alpha and beta; minus strand). Cytogenetic location: 12q23.2.
Variant type: single nucleotide variant.
Coding change: c.257A>C on transcript NM_024312.5 (MANE Select); coding-DNA position 257, A replaced by C.
Protein change: p.Asp86Ala; replaces aspartic acid 86 with alanine.
Molecular consequence: missense variant.
Genome position (GRCh38, 1-based): chr12:101,790,004, T>G on the plus strand (A>C on the coding strand, the complement: GNPTAB is on the minus strand). VCF-style: chr12-101790004-T-G. GRCh37 (hg19) VCF-style: chr12-102183782-T-G.
Other names: p.Asp86Ala; short protein forms D86A.
Identifiers: ClinVar variation 1429181 (VCV001429181.8), dbSNP rs763827719, ClinGen allele CA6746948.